The following is an entry in ClinVar:

NM_000277.3(PAH):c.707-2A>T

Gene: PAH (phenylalanine hydroxylase; minus strand). Cytogenetic location: 12q23.2.
Variant type: single nucleotide variant.
Coding change: c.707-2A>T on transcript NM_000277.3 (MANE Select); the canonical splice acceptor site of the intron before coding-DNA position 707, A replaced by T.
Molecular consequence: splice acceptor variant.
Genome position (GRCh38, 1-based): chr12:102,852,952, T>A on the plus strand (A>T on the coding strand, the complement: PAH is on the minus strand). VCF-style: chr12-102852952-T-A. GRCh37 (hg19) VCF-style: chr12-103246730-T-A.
Other names: c.707-2A>T (NM_001354304.2).
Identifiers: ClinVar variation 2738532 (VCV002738532.3), dbSNP rs62514938, ClinGen allele CA386295866.

ClinVar aggregate classification (germline): Pathogenic (1 of 4 stars; one submission).

Conditions:
Phenylketonuria (PKU). Also called: Phenylketonurias; FOLLING DISEASE; OLIGOPHRENIA PHENYLPYRUVICA; Phenylketonuria (PKU). Identifiers: Orphanet 716, MedGen C0031485, MONDO:0009861, OMIM 261600. Disease mechanism: loss of function.

gnomAD v4.1: 1 of 1,613,898 alleles (0.000062%); no homozygotes.

Submission:

Labcorp Genetics (formerly Invitae), Labcorp
Classification: Pathogenic for Phenylketonuria. Last evaluated: 2023-07-08. Review status: criteria provided, single submitter. Criteria: Invitae Variant Classification Sherloc (09022015). Collection method: clinical testing. Allele origin: germline.
Comment: This sequence change affects an acceptor splice site in intron 6 of the PAH gene. It is expected to disrupt RNA splicing. Variants that disrupt the donor or acceptor splice site typically lead to a loss of protein function (PMID: 16199547), and loss-of-function variants in PAH are known to be pathogenic (PMID: 1301187, 9634518). This variant is not present in population databases (gnomAD no frequency). For these reasons, this variant has been classified as Pathogenic. Algorithms developed to predict the effect of sequence changes on RNA splicing suggest that this variant may disrupt the consensus splice site. Disruption of this splice site has been observed in individual(s) with hyperphenylalaninemia (PMID: 28754886).

Literature cited by the submitters: PubMed 16199547; PubMed 1301187; PubMed 9634518; PubMed 28754886.